The following is an entry in ClinVar:

NM_139215.3(TAF15):c.1151C>G (p.Pro384Arg)

Gene: TAF15 (TATA-box binding protein associated factor 15; plus strand). Cytogenetic location: 17q12.
Variant type: single nucleotide variant.
Coding change: c.1151C>G on transcript NM_139215.3 (MANE Select); coding-DNA position 1151, C replaced by G.
Protein change: p.Pro384Arg; replaces proline 384 with arginine.
Molecular consequence: missense variant.
Genome position (GRCh38, 1-based): chr17:35,844,342, C>G. VCF-style: chr17-35844342-C-G. GRCh37 (hg19) VCF-style: chr17-34171346-C-G.
Other names: c.1142C>G, p.Pro381Arg (NM_003487.4); short protein forms P381R, P384R.
Identifiers: ClinVar variation 3393737 (VCV003393737.1).

ClinVar aggregate classification (germline): Uncertain significance (1 of 4 stars; one submission).

gnomAD v4.1: 1 of 1,614,200 alleles (0.000062%); highest among the groups gnomAD compares: Non-Finnish European, 0.000085%; no homozygotes.

Submission:

GeneDx
Classification: Uncertain significance. Last evaluated: 2024-07-06. Review status: criteria provided, single submitter. Criteria: GeneDx Variant Classification Process June 2021. Collection method: clinical testing. Allele origin: germline. Affected: yes.
Comment: Not observed at significant frequency in large population cohorts (gnomAD); In silico analysis supports that this missense variant has a deleterious effect on protein structure/function; Has not been previously published as pathogenic or benign to our knowledge